The following is an entry in ClinVar:

NM_000222.3(KIT):c.119A>G (p.His40Arg)

Gene: KIT (KIT proto-oncogene, receptor tyrosine kinase; plus strand). Cytogenetic location: 4q12.
Variant type: single nucleotide variant.
Coding change: c.119A>G on transcript NM_000222.3 (MANE Select); coding-DNA position 119, A replaced by G.
Protein change: p.His40Arg; replaces histidine 40 with arginine.
Molecular consequence: missense variant.
Genome position (GRCh38, 1-based): chr4:54,695,563, A>G. VCF-style: chr4-54695563-A-G. GRCh37 (hg19) VCF-style: chr4-55561729-A-G.
Other names: c.119A>G, p.His40Arg (NM_001093772.2, NM_001385284.1, NM_001385285.1 and 4 more transcripts); short protein forms H40R.
Identifiers: ClinVar variation 963920 (VCV000963920.10), dbSNP rs373374682, ClinGen allele CA2923162.

ClinVar aggregate classification (germline): Uncertain significance. Review status: criteria provided, multiple submitters, no conflicts (2 of 4 stars). 2 submissions from 2 submitters: Uncertain significance (2). Last evaluated 2025-10-21.

Conditions:
Gastrointestinal stromal tumor. Also called: Gastrointestinal stromal tumor, somatic; Gastrointestinal stroma tumor. Identifiers: Orphanet 44890, MedGen C0238198, MeSH D046152, MONDO:0011719, OMIM 606764, HP:0100723.
Hereditary cancer-predisposing syndrome. Also called: Hereditary neoplastic syndrome; Neoplastic Syndromes, Hereditary; Hereditary Cancer Syndrome; Tumor predisposition. Identifiers: Orphanet 140162, MedGen C0027672, MeSH D009386, MONDO:0015356.

Allele frequency attached by ClinVar (database versions not stated): gnomAD exomes below 0.00001 and 0.00001; TOPMed below 0.00001; ExAC 0.00001; gnomAD 0.00001; ESP Exome Variant Server 0.00008.
gnomAD v4.1: 7 of 1,614,110 alleles (0.00043%); highest among the groups gnomAD compares: South Asian, 0.0022%; no homozygotes.

Submissions (2):

Labcorp Genetics (formerly Invitae), Labcorp
Classification: Uncertain significance for Gastrointestinal stromal tumor. Last evaluated: 2025-10-21. Review status: criteria provided, single submitter. Criteria: Invitae Variant Classification Sherloc (09022015). Collection method: clinical testing. Allele origin: germline.
Comment: This sequence change replaces histidine, which is basic and polar, with arginine, which is basic and polar, at codon 40 of the KIT protein (p.His40Arg). This variant is present in population databases (rs373374682, gnomAD 0.003%). This variant has not been reported in the literature in individuals affected with KIT-related conditions. ClinVar contains an entry for this variant (Variation ID: 963920). An algorithm developed to predict the effect of missense changes on protein structure and function (PolyPhen-2) suggests that this variant is likely to be tolerated. In summary, the available evidence is currently insufficient to determine the role of this variant in disease. Therefore, it has been classified as a Variant of Uncertain Significance.

Ambry Genetics
Classification: Uncertain significance for Hereditary cancer-predisposing syndrome. Last evaluated: 2025-10-01. Review status: criteria provided, single submitter. Criteria: Ambry Variant Classification Scheme 2023. Collection method: clinical testing. Allele origin: germline.
Comment: The p.H40R variant (also known as c.119A>G), located in coding exon 2 of the KIT gene, results from an A to G substitution at nucleotide position 119. The histidine at codon 40 is replaced by arginine, an amino acid with highly similar properties. This amino acid position is conserved. In addition, this alteration is predicted to be tolerated by in silico analysis. Since supporting evidence is limited at this time, the clinical significance of this alteration remains unclear.